The following is an entry in ClinVar:

NM_003659.4(AGPS):c.637+275A>G

Gene: AGPS (alkylglycerone phosphate synthase; plus strand). Cytogenetic location: 2q31.2.
Variant type: single nucleotide variant.
Coding change: c.637+275A>G on transcript NM_003659.4 (MANE Select); 275 bases into the intron after coding-DNA position 637, A replaced by G.
Molecular consequence: intron variant.
Genome position (GRCh38, 1-based): chr2:177,437,329, A>G. VCF-style: chr2-177437329-A-G. GRCh37 (hg19) VCF-style: chr2-178302057-A-G.
Identifiers: ClinVar variation 683755 (VCV000683755.1), dbSNP rs3770002, ClinGen allele CA15166958.
Genomic context (GRCh38, chr2:177,437,329, plus strand): 5'-ATCATTTTAAATGTAAATAATCATATTTGAGATGTCAGTGGAAAAACATATTTTTGGATA[A>G]TTTGGAAGCTTCATGAAATTAGTGTCAGTAATACATTCAGATATATAGAATTATTAATAT-3'

ClinVar aggregate classification (germline): Benign (1 of 4 stars; one submission).

Allele frequency attached by ClinVar (database versions not stated): gnomAD 0.10574 and 0.11101; TOPMed 0.10873; 1000 Genomes Project 30x 0.13476; 1000 Genomes Project 0.13938.
gnomAD v4.1: 16,966 of 152,128 alleles (11%); highest among the groups gnomAD compares: East Asian, 35%; 1,209 homozygotes.

Submission:

GeneDx
Classification: Benign. Last evaluated: 2018-06-19. Review status: criteria provided, single submitter. Criteria: GeneDx Variant Classification (06012015). Collection method: clinical testing. Allele origin: germline. Affected: yes.
Comment: This variant is considered likely benign or benign based on one or more of the following criteria: it is a conservative change, it occurs at a poorly conserved position in the protein, it is predicted to be benign by multiple in silico algorithms, and/or has population frequency not consistent with disease.